The following is an entry in ClinVar:

ClinVar aggregate classification (germline): Conflicting classifications of pathogenicity. Review status: criteria provided, conflicting classifications (1 of 4 stars). 2 submissions from 2 submitters: Likely pathogenic (1); Uncertain significance (1). Last evaluated 2022-05-25.

Conditions:
RP1-related disorder. Also called: RP1-related condition.

Submissions (2):

Labcorp Genetics (formerly Invitae), Labcorp
Classification: Uncertain significance. Last evaluated: 2022-05-25. Review status: criteria provided, single submitter. Criteria: Invitae Variant Classification Sherloc (09022015). Collection method: clinical testing. Allele origin: germline.
Comment: This sequence change replaces arginine, which is basic and polar, with lysine, which is basic and polar, at codon 793 of the RP1 protein (p.Arg793Lys). In summary, the available evidence is currently insufficient to determine the role of this variant in disease. Therefore, it has been classified as a Variant of Uncertain Significance. Algorithms developed to predict the effect of missense changes on protein structure and function output the following: SIFT: "Tolerated"; PolyPhen-2: "Benign"; Align-GVGD: "Class C0". The lysine amino acid residue is found in multiple mammalian species, which suggests that this missense change does not adversely affect protein function. This variant has not been reported in the literature in individuals affected with RP1-related conditions. This variant is not present in population databases (gnomAD no frequency).

Blueprint Genetics
Classification: Likely pathogenic for RP1-related disorders. Last evaluated: 2020-03-26. Review status: criteria provided, single submitter. Criteria: ACMG Guidelines, 2015. Collection method: clinical testing. Allele origin: germline. Affected: yes. Observed: 1 variant allele.

NM_006269.2(RP1):c.2378G>A (p.Arg793Lys)

Gene: RP1 (RP1 axonemal microtubule associated; plus strand). Cytogenetic location: 8q12.1.
Variant type: single nucleotide variant.
Coding change: c.2378G>A on transcript NM_006269.2 (MANE Select); coding-DNA position 2378, G replaced by A.
Protein change: p.Arg793Lys; replaces arginine 793 with lysine.
Molecular consequence: missense variant. On other transcripts: intron variant (1).
Genome position (GRCh38, 1-based): chr8:54,626,260, G>A. VCF-style: chr8-54626260-G-A. GRCh37 (hg19) VCF-style: chr8-55538820-G-A.
Other names: c.787+3972G>A (NM_001375654.1); short protein forms R793K.
Identifiers: ClinVar variation 1998511 (VCV001998511.5), dbSNP rs2536574634, ClinGen allele CA370993626.